The following is an entry in ClinVar:

NM_177438.3(DICER1):c.927A>G (p.Val309=)

Gene: DICER1 (dicer 1, ribonuclease III; minus strand). Cytogenetic location: 14q32.13.
Variant type: single nucleotide variant.
Coding change: c.927A>G on transcript NM_177438.3 (MANE Select); coding-DNA position 927, A replaced by G.
Protein change: p.Val309=; no amino-acid change (valine 309 retained).
Molecular consequence: synonymous variant.
Genome position (GRCh38, 1-based): chr14:95,124,645, T>C on the plus strand (A>G on the coding strand, the complement: DICER1 is on the minus strand). VCF-style: chr14-95124645-T-C. GRCh37 (hg19) VCF-style: chr14-95590982-T-C.
Other names: c.927A>G, p.Val309= (NM_001195573.1, NM_001271282.3, NM_001291628.2 and 1 more transcripts).
Identifiers: ClinVar variation 1120354 (VCV001120354.10), dbSNP rs2140208347, ClinGen allele CA487632556.

ClinVar aggregate classification (germline): Benign/Likely benign. Review status: criteria provided, multiple submitters, no conflicts (2 of 4 stars). 2 submissions from 2 submitters: Benign (1); Likely benign (1). Last evaluated 2026-08-18.

Conditions:
DICER1-related tumor predisposition. Also called: DICER1-related pleuropulmonary blastoma cancer predisposition syndrome; DICER1 syndrome. Identifiers: Orphanet 284343, MedGen C3839822, MONDO:0100216.

Allele frequency attached by ClinVar (database versions not stated): gnomAD exomes below 0.00001.

Submissions (2):

Myriad Genetics, Inc.
Classification: Benign for DICER1-related tumor predisposition. Last evaluated: 2026-08-18. Review status: criteria provided, single submitter. Criteria: Myriad Autosomal Dominant, Autosomal Recessive and X-Linked Classification Criteria (2023). Collection method: clinical testing. Allele origin: unknown.
Comment: This variant is considered benign. This variant is a silent/synonymous amino acid change and it is not expected to impact splicing.

Labcorp Genetics (formerly Invitae), Labcorp
Classification: Likely benign for DICER1-related tumor predisposition. Last evaluated: 2020-02-13. Review status: criteria provided, single submitter. Criteria: Invitae Variant Classification Sherloc (09022015). Collection method: clinical testing. Allele origin: germline.